The following is an entry in ClinVar:

ClinVar aggregate classification (germline): Benign (3 of 4 stars; one submission).

Conditions:
Breast-ovarian cancer, familial, susceptibility to, 2 (BROVCA2). Also called: BRCA2 Hereditary Breast and Ovarian Cancer. Identifiers: Orphanet 145, MedGen C2675520, MONDO:0012933, OMIM 612555. Disease mechanism: loss of function.

Allele frequency attached by ClinVar (database versions not stated): gnomAD 0.00197 and 0.00210; TOPMed 0.00255; 1000 Genomes Project 30x 0.00281; 1000 Genomes Project 0.00300.
gnomAD v4.1: 298 of 152,218 alleles (0.2%); highest among the groups gnomAD compares: African/African-American, 0.69%; no homozygotes.

Submission:

Evidence-based Network for the Interpretation of Germline Mutant Alleles (ENIGMA)
Classification: Benign for Breast-ovarian cancer, familial 2. Last evaluated: 2015-01-12. Review status: reviewed by expert panel. Criteria: ENIGMA BRCA1/2 Classification Criteria (2015). Collection method: curation. Allele origin: germline.
Comment: Class 1 not pathogenic based on frequency >1% in an outbred sampleset. Frequency 0.01829 (African), derived from 1000 genomes (2012-04-30).

NM_000059.4(BRCA2):c.9257-7242C>T

Gene: BRCA2 (BRCA2 DNA repair associated; plus strand). Cytogenetic location: 13q13.1.
Variant type: single nucleotide variant.
Coding change: c.9257-7242C>T on transcript NM_000059.4 (MANE Select); 7242 bases into the intron before coding-DNA position 9257, C replaced by T.
Molecular consequence: intron variant.
Genome position (GRCh38, 1-based): chr13:32,387,447, C>T. VCF-style: chr13-32387447-C-T. GRCh37 (hg19) VCF-style: chr13-32961584-C-T.
Other names: IVS 24-7242C>T.
Identifiers: ClinVar variation 209879 (VCV000209879.1), dbSNP rs11571792, ClinGen allele CA276847.